The following is an entry in ClinVar:

ClinVar aggregate classification (germline): Conflicting classifications of pathogenicity. Review status: criteria provided, conflicting classifications (1 of 4 stars). 2 submissions from 2 submitters: Uncertain significance (1); Likely benign (1). Last evaluated 2025-02-14.

Conditions:
Breast-ovarian cancer, familial, susceptibility to, 3. Also called: RAD51C-Related Breast/Ovarian Cancer. Identifiers: Orphanet 145, MedGen C3150659, MONDO:0013253, OMIM 613399.
Hereditary cancer-predisposing syndrome. Also called: Neoplastic Syndromes, Hereditary; Tumor predisposition; Hereditary Cancer Syndrome; Hereditary neoplastic syndrome. Identifiers: Orphanet 140162, MedGen C0027672, MeSH D009386, MONDO:0015356.

Submissions (2):

Myriad Genetics, Inc.
Classification: Likely benign for Breast-ovarian cancer, familial, susceptibility to, 3. Last evaluated: 2025-02-14. Review status: criteria provided, single submitter. Criteria: Myriad Autosomal Dominant, Autosomal Recessive and X-Linked Classification Criteria (2023). Collection method: clinical testing. Allele origin: unknown.
Comment: This variant is considered likely benign. This variant is intronic and is not expected to impact mRNA splicing.

Color Diagnostics, LLC DBA Color Health
Classification: Uncertain significance for Hereditary cancer-predisposing syndrome. Last evaluated: 2019-04-24. Review status: criteria provided, single submitter. Criteria: ACMG Guidelines, 2015. Collection method: clinical testing. Allele origin: germline.

NM_058216.3(RAD51C):c.146-13A>G

Gene: RAD51C (RAD51 paralog C; plus strand). Cytogenetic location: 17q22.
Variant type: single nucleotide variant.
Coding change: c.146-13A>G on transcript NM_058216.3 (MANE Select); 13 bases into the intron before coding-DNA position 146, A replaced by G.
Molecular consequence: intron variant.
Genome position (GRCh38, 1-based): chr17:58,694,918, A>G. VCF-style: chr17-58694918-A-G. GRCh37 (hg19) VCF-style: chr17-56772279-A-G.
Other names: c.146-13A>G (NM_002876.4).
Identifiers: ClinVar variation 920046 (VCV000920046.3), dbSNP rs753828779, ClinGen allele CA8677175.